The following is an entry in ClinVar:

ClinVar aggregate classification (germline): Uncertain significance (1 of 4 stars; one submission).

Allele frequency attached by ClinVar (database versions not stated): gnomAD exomes below 0.00001.
gnomAD v4.1: 2 of 1,614,012 alleles (0.00012%); highest among the groups gnomAD compares: Non-Finnish European, 0.00017%; no homozygotes.

Submission:

Labcorp Genetics (formerly Invitae), Labcorp
Classification: Uncertain significance. Last evaluated: 2022-09-01. Review status: criteria provided, single submitter. Criteria: Invitae Variant Classification Sherloc (09022015). Collection method: clinical testing. Allele origin: germline.
Comment: In summary, the available evidence is currently insufficient to determine the role of this variant in disease. Therefore, it has been classified as a Variant of Uncertain Significance. Algorithms developed to predict the effect of missense changes on protein structure and function (SIFT, PolyPhen-2, Align-GVGD) all suggest that this variant is likely to be tolerated. This variant has not been reported in the literature in individuals affected with PSMA3-related conditions. This variant is not present in population databases (gnomAD no frequency). This sequence change replaces alanine, which is neutral and non-polar, with threonine, which is neutral and polar, at codon 122 of the PSMA3 protein (p.Ala122Thr).

NM_002788.4(PSMA3):c.364G>A (p.Ala122Thr)

Gene: PSMA3 (proteasome 20S subunit alpha 3; plus strand). Cytogenetic location: 14q23.1.
Variant type: single nucleotide variant.
Coding change: c.364G>A on transcript NM_002788.4 (MANE Select); coding-DNA position 364, G replaced by A.
Protein change: p.Ala122Thr; replaces alanine 122 with threonine.
Molecular consequence: missense variant. On other transcripts: non-coding transcript variant (1).
Genome position (GRCh38, 1-based): chr14:58,257,958, G>A. VCF-style: chr14-58257958-G-A. GRCh37 (hg19) VCF-style: chr14-58724676-G-A.
Other names: c.364G>A, p.Ala122Thr (NM_152132.3); short protein forms A122T.
Identifiers: ClinVar variation 1913649 (VCV001913649.5), dbSNP rs2502950756, ClinGen allele CA389848648.